The following is an entry in ClinVar:

ClinVar aggregate classification (germline): Uncertain significance (1 of 4 stars; one submission).

Conditions:
Multiple sulfatase deficiency (MSD). Also called: Mucosulfatidosis; Multiple Sulfatase Deficiency Disease; Sulfatidosis, Juvenile, Austin Type. Identifiers: Orphanet 585, MedGen C0268263, MONDO:0010088, OMIM 272200.

Allele frequency attached by ClinVar (database versions not stated): TOPMed below 0.00001.

Submission:

Labcorp Genetics (formerly Invitae), Labcorp
Classification: Uncertain significance for Multiple sulfatase deficiency. Last evaluated: 2021-10-20. Review status: criteria provided, single submitter. Criteria: Invitae Variant Classification Sherloc (09022015). Collection method: clinical testing. Allele origin: germline.
Comment: This sequence change replaces aspartic acid with glycine at codon 282 of the SUMF1 protein (p.Asp282Gly). The aspartic acid residue is moderately conserved and there is a moderate physicochemical difference between aspartic acid and glycine. This variant is not present in population databases (ExAC no frequency). This variant has not been reported in the literature in individuals affected with SUMF1-related conditions. Algorithms developed to predict the effect of missense changes on protein structure and function (SIFT, PolyPhen-2, Align-GVGD) all suggest that this variant is likely to be tolerated. In summary, the available evidence is currently insufficient to determine the role of this variant in disease. Therefore, it has been classified as a Variant of Uncertain Significance.

NM_182760.4(SUMF1):c.845A>G (p.Asp282Gly)

Gene: SUMF1 (sulfatase modifying factor 1; minus strand). Cytogenetic location: 3p26.1.
Variant type: single nucleotide variant.
Coding change: c.845A>G on transcript NM_182760.4 (MANE Select); coding-DNA position 845, A replaced by G.
Protein change: p.Asp282Gly; replaces aspartic acid 282 with glycine.
Molecular consequence: missense variant.
Genome position (GRCh38, 1-based): chr3:4,410,974, T>C on the plus strand (A>G on the coding strand, the complement: SUMF1 is on the minus strand). VCF-style: chr3-4410974-T-C. GRCh37 (hg19) VCF-style: chr3-4452658-T-C.
Other names: c.770A>G, p.Asp257Gly (NM_001164674.2); c.845A>G, p.Asp282Gly (NM_001164675.2); short protein forms D282G, D257G.
Identifiers: ClinVar variation 1394967 (VCV001394967.3), dbSNP rs1701522507, ClinGen allele CA351631557.
Genomic context (GRCh38, chr3:4,410,974, plus strand): 5'-GTCCATTCCCATGCGTTCCCCACTATGTTGTATAAGCCATAACCATTGGGAGGGAAGGCA[T>C]CAACCTAAAAACAAAGACAGGAAAAATGCTGTCAAACTATTCACCTGGTTTAAAAAACAT-3'
Protein context (NP_877437.2, residues 272-292): EDGFQGTAPV[Asp282Gly]AFPPNGYGLY